The following is an entry in ClinVar:

ClinVar aggregate classification (germline): Uncertain significance (1 of 4 stars; one submission).

gnomAD v4.1: 3 of 1,601,272 alleles (0.00019%); highest among the groups gnomAD compares: African/African-American, 0.0013%; no homozygotes.

Submission:

Ambry Genetics
Classification: Uncertain significance. Last evaluated: 2025-06-13. Review status: criteria provided, single submitter. Criteria: Ambry Variant Classification Scheme 2023. Collection method: clinical testing. Allele origin: germline.
Comment: The p.A2018P variant (also known as c.6052G>C), located in coding exon 24 of the WNK2 gene, results from a G to C substitution at nucleotide position 6052. The alanine at codon 2018 is replaced by proline, an amino acid with highly similar properties. This amino acid position is conserved. In addition, this alteration is predicted to be deleterious by in silico analysis. Based on the available evidence, the clinical significance of this variant remains unclear.

NM_006648.4(WNK2):c.6052G>C (p.Ala2018Pro)

Gene: WNK2 (WNK lysine deficient protein kinase 2; plus strand). Cytogenetic location: 9q22.31.
Variant type: single nucleotide variant.
Coding change: c.6052G>C on transcript NM_006648.4 (MANE Select); coding-DNA position 6052, G replaced by C.
Protein change: p.Ala2018Pro; replaces alanine 2018 with proline.
Molecular consequence: missense variant.
Genome position (GRCh38, 1-based): chr9:93,299,198, G>C. VCF-style: chr9-93299198-G-C. GRCh37 (hg19) VCF-style: chr9-96061480-G-C.
Other names: c.6163G>C, p.Ala2055Pro (NM_001282394.3); short protein forms A2018P, A2055P.
Identifiers: ClinVar variation 3982209 (VCV003982209.1).